The following is an entry in ClinVar:

ClinVar aggregate classification (germline): Uncertain significance (1 of 4 stars; one submission).

Conditions:
Wilson disease (WND). Also called: Wilson's disease. Identifiers: Orphanet 905, MedGen C0019202, MONDO:0010200, OMIM 277900. Disease mechanism: loss of function.

Submission:

All of Us Research Program, National Institutes of Health
Classification: Uncertain significance for Wilson disease. Last evaluated: 2023-11-20. Review status: criteria provided, single submitter. Criteria: ACMG Guidelines, 2015. Collection method: clinical testing. Allele origin: germline. Inheritance: Autosomal recessive inheritance. Observed: 1 variant allele, 1 heterozygote.
Comment: This missense variant replaces methionine with valine at codon 152 of the ATP7B protein. Computational prediction suggests that this variant may have deleterious impact on protein structure and function (internally defined REVEL score threshold >= 0.7, PMID: 27666373). To our knowledge, functional studies have not been reported for this variant. This variant has not been reported in individuals affected with ATP7B-related disorders in the literature. This variant has not been identified in the general population by the Genome Aggregation Database (gnomAD). The available evidence is insufficient to determine the role of this variant in disease conclusively. Therefore, this variant is classified as a Variant of Uncertain Significance.

This study involves interpretation of variants in research participants for the purpose of population health screening. Participant phenotype was not available at the time of variant classification. Additional details can be found in publication PMID: 35346344, PMCID: PMC8962531

NM_000053.4(ATP7B):c.454A>G (p.Met152Val)

Gene: ATP7B (ATPase copper transporting beta; minus strand). Cytogenetic location: 13q14.3.
Variant type: single nucleotide variant.
Coding change: c.454A>G on transcript NM_000053.4 (MANE Select); coding-DNA position 454, A replaced by G.
Protein change: p.Met152Val; replaces methionine 152 with valine.
Molecular consequence: missense variant.
Genome position (GRCh38, 1-based): chr13:51,974,766, T>C on the plus strand (A>G on the coding strand, the complement: ATP7B is on the minus strand). VCF-style: chr13-51974766-T-C. GRCh37 (hg19) VCF-style: chr13-52548902-T-C.
Other names: c.454A>G, p.Met152Val (NM_001406534.1, NM_001005918.3, NM_001243182.2 and 30 more transcripts); c.358A>G, p.Met120Val (NM_001406517.1, NM_001406518.1, NM_001406530.1 and 4 more transcripts); short protein forms M120V, M152V.
Identifiers: ClinVar variation 3074502 (VCV003074502.1), dbSNP rs2547822673, ClinGen allele CA388043988.